The following is an entry in ClinVar:

ClinVar aggregate classification (germline): Uncertain significance. Review status: criteria provided, multiple submitters, no conflicts (2 of 4 stars). 3 submissions from 3 submitters: Uncertain significance (2). 1 of the submissions does not count toward it. Last evaluated 2025-04-08.

Conditions:
AFF4-related disorder. Also called: AFF4-related condition.
Cognitive impairment - coarse facies - heart defects - obesity - pulmonary involvement - short stature - skeletal dysplasia syndrome. Also called: AFF4-Related CHOPS Syndrome; COGNITIVE IMPAIRMENT, COARSE FACIES, HEART DEFECTS, OBESITY, PULMONARY INVOLVEMENT, SHORT STATURE, AND SKELETAL DYSPLASIA; Chops syndrome. Identifiers: Orphanet 444077, MedGen C4085597, MONDO:0014609, OMIM 616368.

Allele frequency attached by ClinVar (database versions not stated): TOPMed below 0.00001; gnomAD 0.00001; ExAC 0.00003.
gnomAD v4.1: 8 of 1,612,328 alleles (0.0005%); highest among the groups gnomAD compares: East Asian, 0.0067%; no homozygotes.

Submissions (3):

Women's Health and Genetics/Laboratory Corporation of America, LabCorp
Classification: Uncertain significance. Last evaluated: 2025-04-08. Review status: criteria provided, single submitter. Criteria: LabCorp Variant Classification Summary - May 2015. Collection method: clinical testing. Allele origin: germline.
Comment: Variant summary: AFF4 c.2644G>C (p.Ala882Pro) results in a non-conservative amino acid change in the encoded protein sequence. Four of five in-silico tools predict a benign effect of the variant on protein function. The variant allele was found at a frequency of 1.2e-05 in 251126 control chromosomes. The available data on variant occurrences in the general population are insufficient to allow any conclusion about variant significance. To our knowledge, no occurrence of c.2644G>C in individuals affected with Chops Syndrome and no experimental evidence demonstrating its impact on protein function have been reported. ClinVar contains an entry for this variant (Variation ID: 2730248). Based on the evidence outlined above, the variant was classified as uncertain significance.

Labcorp Genetics (formerly Invitae), Labcorp
Classification: Uncertain significance for Cognitive impairment - coarse facies - heart defects - obesity - pulmonary involvement - short stature - skeletal dysplasia syndrome. Last evaluated: 2023-09-19. Review status: criteria provided, single submitter. Criteria: Invitae Variant Classification Sherloc (09022015). Collection method: clinical testing. Allele origin: germline.
Comment: This sequence change replaces alanine, which is neutral and non-polar, with proline, which is neutral and non-polar, at codon 882 of the AFF4 protein (p.Ala882Pro). In summary, the available evidence is currently insufficient to determine the role of this variant in disease. Therefore, it has been classified as a Variant of Uncertain Significance. Advanced modeling of protein sequence and biophysical properties (such as structural, functional, and spatial information, amino acid conservation, physicochemical variation, residue mobility, and thermodynamic stability) performed at Invitae indicates that this missense variant is not expected to disrupt AFF4 protein function. This variant has not been reported in the literature in individuals affected with AFF4-related conditions. This variant is present in population databases (rs772993130, gnomAD 0.01%).

PreventionGenetics, part of Exact Sciences
Classification: Uncertain significance for AFF4-related condition. Last evaluated: 2024-02-28. Review status: no assertion criteria provided. Collection method: clinical testing. Allele origin: germline. Not counted in ClinVar's aggregate classification.
Comment: The AFF4 c.2644G>C variant is predicted to result in the amino acid substitution p.Ala882Pro. To our knowledge, this variant has not been reported in the literature. This variant is reported in 0.011% of alleles in individuals of East Asian descent in gnomAD. Although we suspect that this variant may be benign, at this time, the clinical significance of this variant is uncertain due to the absence of conclusive functional and genetic evidence.

NM_014423.4(AFF4):c.2644G>C (p.Ala882Pro)

Gene: AFF4 (ALF transcription elongation factor 4; minus strand). Cytogenetic location: 5q31.1.
Variant type: single nucleotide variant.
Coding change: c.2644G>C on transcript NM_014423.4 (MANE Select); coding-DNA position 2644, G replaced by C.
Protein change: p.Ala882Pro; replaces alanine 882 with proline.
Molecular consequence: missense variant.
Genome position (GRCh38, 1-based): chr5:132,889,167, C>G on the plus strand (G>C on the coding strand, the complement: AFF4 is on the minus strand). VCF-style: chr5-132889167-C-G. GRCh37 (hg19) VCF-style: chr5-132224859-C-G.
Other names: c.2644G>C (NM_014423.3); short protein forms A882P.
Identifiers: ClinVar variation 2730248 (VCV002730248.6), dbSNP rs772993130, ClinGen allele CA3408860.